The following is an entry in ClinVar:

NM_016929.5(CLIC5):c.559A>C (p.Asn187His)

Gene: CLIC5 (chloride intracellular channel 5; minus strand). Cytogenetic location: 6p21.1.
Variant type: single nucleotide variant.
Coding change: c.559A>C on transcript NM_016929.5 (MANE Select); coding-DNA position 559, A replaced by C.
Protein change: p.Asn187His; replaces asparagine 187 with histidine.
Molecular consequence: missense variant. On other transcripts: non-coding transcript variant (3).
Genome position (GRCh38, 1-based): chr6:45,914,257, T>G on the plus strand (A>C on the coding strand, the complement: CLIC5 is on the minus strand). VCF-style: chr6-45914257-T-G. GRCh37 (hg19) VCF-style: chr6-45881994-T-G.
Other names: c.1036A>C, p.Asn346His (NM_001114086.2, NM_001370650.1); c.559A>C, p.Asn187His (NM_001256023.2); c.442A>C, p.Asn148His (NM_001370649.1); short protein forms N187H, N346H, N148H.
Identifiers: ClinVar variation 2056806 (VCV002056806.4), dbSNP rs2481196702, ClinGen allele CA363961097.
Genomic context (GRCh38, chr6:45,914,257, plus strand): 5'-TTGCAGGCCCCTGTGGGTAGAGCTCTCTTACCTTGACCACATGGAGCTTGGGCAACAGAT[T>G]GCAGTCAGCCAGGGTCAGCTCATCCCCATCCAGGAACTTGCGCCGGGACCCCTTGTCTTC-3'
Protein context (NP_058625.2, residues 177-197): DGDELTLADC[Asn187His]LLPKLHVVKI

ClinVar aggregate classification (germline): Uncertain significance (1 of 4 stars; one submission).

Submission:

Labcorp Genetics (formerly Invitae), Labcorp
Classification: Uncertain significance. Last evaluated: 2021-12-24. Review status: criteria provided, single submitter. Criteria: Invitae Variant Classification Sherloc (09022015). Collection method: clinical testing. Allele origin: germline.
Comment: Algorithms developed to predict the effect of missense changes on protein structure and function are either unavailable or do not agree on the potential impact of this missense change (SIFT: "Deleterious"; PolyPhen-2: "Probably Damaging"; Align-GVGD: "Class C0"). In summary, the available evidence is currently insufficient to determine the role of this variant in disease. Therefore, it has been classified as a Variant of Uncertain Significance. This sequence change replaces asparagine, which is neutral and polar, with histidine, which is basic and polar, at codon 346 of the CLIC5 protein (p.Asn346His). This variant is not present in population databases (gnomAD no frequency). This variant has not been reported in the literature in individuals affected with CLIC5-related conditions.